The following is an entry in ClinVar:

ClinVar aggregate classification (germline): Uncertain significance. Review status: criteria provided, multiple submitters, no conflicts (2 of 4 stars). 2 submissions from 2 submitters: Uncertain significance (2). Last evaluated 2025-11-25.

Conditions:
Inborn genetic diseases. Identifiers: MedGen C0950123, MeSH D030342.

Allele frequency attached by ClinVar (database versions not stated): gnomAD exomes 0.00006; ExAC 0.00010; ESP Exome Variant Server 0.00023; 1000 Genomes Project 30x 0.00031; 1000 Genomes Project 0.00040.

Submissions (2):

Ambry Genetics
Classification: Uncertain significance for Inborn genetic diseases. Last evaluated: 2025-11-25. Review status: criteria provided, single submitter. Criteria: Ambry Variant Classification Scheme 2023. Collection method: clinical testing. Allele origin: germline.

Labcorp Genetics (formerly Invitae), Labcorp
Classification: Uncertain significance. Last evaluated: 2025-08-25. Review status: criteria provided, single submitter. Criteria: Invitae Variant Classification Sherloc (09022015). Collection method: clinical testing. Allele origin: germline.
Comment: This sequence change replaces arginine, which is basic and polar, with serine, which is neutral and polar, at codon 606 of the LAMC3 protein (p.Arg606Ser). This variant is present in population databases (rs138907739, gnomAD 0.06%). This variant has not been reported in the literature in individuals affected with LAMC3-related conditions. ClinVar contains an entry for this variant (Variation ID: 1435611). An algorithm developed to predict the effect of missense changes on protein structure and function outputs the following: PolyPhen-2: "Benign". The serine amino acid residue is found in multiple mammalian species, which suggests that this missense change does not adversely affect protein function. In summary, the available evidence is currently insufficient to determine the role of this variant in disease. Therefore, it has been classified as a Variant of Uncertain Significance.

NM_006059.4(LAMC3):c.1818G>C (p.Arg606Ser)

Genes: LAMC3 (laminin subunit gamma 3; plus strand), LOC126860777 (BRD4-independent group 4 enhancer GRCh37_chr9:133927058-133928257; plus strand). Cytogenetic location: 9q34.12.
Variant type: single nucleotide variant.
Coding change: c.1818G>C on transcript NM_006059.4 (MANE Select); coding-DNA position 1818, G replaced by C.
Protein change: p.Arg606Ser; replaces arginine 606 with serine.
Molecular consequence: missense variant.
Genome position (GRCh38, 1-based): chr9:131,052,678, G>C. VCF-style: chr9-131052678-G-C. GRCh37 (hg19) VCF-style: chr9-133928065-G-C.
Other names: c.1818G>C (NM_006059.3); short protein forms R606S.
Identifiers: ClinVar variation 1435611 (VCV001435611.6), dbSNP rs138907739, ClinGen allele CA5287206.